The following is an entry in ClinVar:

NM_000435.3(NOTCH3):c.485G>T (p.Cys162Phe)

Gene: NOTCH3 (notch receptor 3; minus strand). Cytogenetic location: 19p13.12.
Variant type: single nucleotide variant.
Coding change: c.485G>T on transcript NM_000435.3 (MANE Select); coding-DNA position 485, G replaced by T.
Protein change: p.Cys162Phe; replaces cysteine 162 with phenylalanine.
Molecular consequence: missense variant.
Genome position (GRCh38, 1-based): chr19:15,192,154, C>A on the plus strand (G>T on the coding strand, the complement: NOTCH3 is on the minus strand). VCF-style: chr19-15192154-C-A. GRCh37 (hg19) VCF-style: chr19-15302965-C-A.
Other names: short protein forms C162F.
Identifiers: ClinVar variation 1256523 (VCV001256523.1), dbSNP rs2145441996, ClinGen allele CA404533862.

ClinVar aggregate classification (germline): Likely pathogenic (1 of 4 stars; one submission).

Submission:

Athena Diagnostics
Classification: Likely pathogenic. Last evaluated: 2021-01-05. Review status: criteria provided, single submitter. Criteria: Athena Diagnostics criteria. Collection method: clinical testing. Allele origin: unknown.
Comment: This variant has not been reported in large, multi-ethnic general populations. At least one other missense variant at this codon is considered to be pathogenic or likely pathogenic, suggesting this variant may also cause disease. This variant alters a critical location within the protein, and is expected to severely affect function and cause disease. Greater than 90% of NOTCH3 pathogenic mutations associated with CADASIL involve the gain or loss of a cysteine residue within the epidermal growth factor (EGF)-like repeat domain (PMID: 32457593, 20301673).